The following is an entry in ClinVar:

NM_000027.4(AGA):c.677G>A (p.Gly226Asp)

Gene: AGA (aspartylglucosaminidase; minus strand). Cytogenetic location: 4q34.3.
Variant type: single nucleotide variant.
Coding change: c.677G>A on transcript NM_000027.4 (MANE Select); coding-DNA position 677, G replaced by A.
Protein change: p.Gly226Asp; replaces glycine 226 with aspartic acid.
Molecular consequence: missense variant. On other transcripts: splice donor variant (1).
Genome position (GRCh38, 1-based): chr4:177,436,297, C>T on the plus strand (G>A on the coding strand, the complement: AGA is on the minus strand). VCF-style: chr4-177436297-C-T. GRCh37 (hg19) VCF-style: chr4-178357451-C-T.
Other names: c.676+1G>A (NM_001171988.2); short protein forms G226D.
Identifiers: ClinVar variation 55950 (VCV000055950.18), dbSNP rs386833431, ClinGen allele CA144029.

ClinVar aggregate classification (germline): Pathogenic/Likely pathogenic. Review status: criteria provided, multiple submitters, no conflicts (2 of 4 stars). 7 submissions from 7 submitters: Pathogenic (3); Likely pathogenic (2). 2 of the submissions do not count toward it. Last evaluated 2024-12-26.

Conditions:
Aspartylglucosaminuria (AGU). Also called: AGA DEFICIENCY; GLYCOASPARAGINASE; GLYCOSYLASPARAGINASE DEFICIENCY; Aspartylglucos-aminuria; Aspartylglucos-amidase (AGA) deficiency. Identifiers: Orphanet 93, MedGen C0268225, MONDO:0008830, OMIM 208400, HP:0012068.

Allele frequency attached by ClinVar (database versions not stated): gnomAD 0.00003; TOPMed 0.00002; gnomAD exomes below 0.00001; ExAC 0.00001.
gnomAD v4.1: 32 of 1,612,820 alleles (0.002%); highest among the groups gnomAD compares: African/African-American, 0.0067%; no homozygotes.

Submissions (7):

Natera, Inc.
Classification: Likely pathogenic for Aspartylglucosaminuria. Last evaluated: 2024-12-26. Review status: criteria provided, single submitter. Criteria: Natera Variant Classification Schema (03/2026). Collection method: clinical testing. Allele origin: germline.
Comment: The c.677G>A variant in AGA is a missense variant predicted to cause substitution of glycine to aspartic acid at amino acid 226. This variant is rare in the general population with a frequency below the threshold expected for the associated phenotype(s). This variant has been observed in one or more individuals affected with the associated recessive disease, as either homozygous or compound heterozygous with a second variant (PMID: 10399108). Functional studies show that this variant may disrupt protein function (PMID: 11309371, 10399108). Computational prediction algorithms indicate this variant is likely to affect gene or protein function. Given the available evidence, this variant is classified as Likely Pathogenic.

Baylor Genetics
Classification: Pathogenic for Aspartylglucosaminuria. Last evaluated: 2024-03-27. Review status: criteria provided, single submitter. Criteria: ACMG Guidelines, 2015. Collection method: clinical testing. Allele origin: unknown.

Labcorp Genetics (formerly Invitae), Labcorp
Classification: Pathogenic for Aspartylglucosaminuria. Last evaluated: 2024-02-17. Review status: criteria provided, single submitter. Criteria: Invitae Variant Classification Sherloc (09022015). Collection method: clinical testing. Allele origin: germline.
Comment: This sequence change replaces glycine, which is neutral and non-polar, with aspartic acid, which is acidic and polar, at codon 226 of the AGA protein (p.Gly226Asp). RNA analysis indicates that this missense change induces altered splicing and likely disrupts the C-terminus of the protein. This variant is present in population databases (rs386833431, gnomAD 0.002%). This missense change has been observed in individual(s) with AGA-related conditions (PMID: 10399108, 29930972). ClinVar contains an entry for this variant (Variation ID: 55950). Advanced modeling of protein sequence and biophysical properties (such as structural, functional, and spatial information, amino acid conservation, physicochemical variation, residue mobility, and thermodynamic stability) performed at Invitae indicates that this missense variant is expected to disrupt AGA protein function with a positive predictive value of 80%. Experimental studies have shown that this missense change affects AGA function (PMID: 11309371, 18992224). Studies have shown that this missense change results in skipping of exon 6 and introduces a new termination codon (PMID: 10399108, 11309371). However the mRNA is not expected to undergo nonsense-mediated decay. For these reasons, this variant has been classified as Pathogenic.

GeneDx
Classification: Pathogenic. Last evaluated: 2022-09-26. Review status: criteria provided, single submitter. Criteria: GeneDx Variant Classification Process June 2021. Collection method: clinical testing. Allele origin: germline. Affected: yes.
Comment: Published functional studies demonstrate a damaging effect of significantly reduced enzyme activity (Sui et al., 2014; Saarela et al., 2001); Not observed at significant frequency in large population cohorts (gnomAD); In silico analysis supports that this missense variant has a deleterious effect on protein structure/function; This variant is associated with the following publications: (PMID: 18992224, 25525159, 10399108, 11309371, 14616088, 28457719, 25456816)

Fulgent Genetics
Classification: Likely pathogenic for Aspartylglucosaminuria. Last evaluated: 2021-07-22. Review status: criteria provided, single submitter. Criteria: ACMG Guidelines, 2015. Collection method: clinical testing. Allele origin: unknown.

Counsyl
Classification: Likely pathogenic for Aspartylglucosaminuria. Last evaluated: 2019-01-22. Review status: no assertion criteria provided. Collection method: clinical testing. Allele origin: unknown. Not counted in ClinVar's aggregate classification.

Juha Muilu Group; Institute for Molecular Medicine Finland (FIMM)
Classification: Likely pathogenic for Aspartylglycosaminuria. Review status: no assertion criteria provided. Collection method: not provided. Allele origin: unknown. Not counted in ClinVar's aggregate classification.
Comment: FinDis database variant: This variant was not found or characterized by our laboratory, data were collected from public sources: see reference
ClinVar note: Converted during submission from probable-pathogenic to Likely pathogenic.

Literature cited by the submitters: PubMed 10399108 (cited by 3 submitters); PubMed 11309371 (cited by 3 submitters); PubMed 29930972 (cited by Labcorp Genetics (formerly Invitae), Labcorp and Counsyl); PubMed 18992224 (cited by Labcorp Genetics (formerly Invitae), Labcorp and Counsyl); PubMed 25456816 (cited by Counsyl).